The following is an entry in ClinVar:

ClinVar aggregate classification (germline): Uncertain significance. Review status: criteria provided, multiple submitters, no conflicts (2 of 4 stars). 5 submissions from 5 submitters: Uncertain significance (5). Last evaluated 2024-07-03.

Conditions:
Cardiomyopathy (CMYO). Also called: Cardiomyopathies. Identifiers: Orphanet 167848, MedGen C0878544, MONDO:0004994, HP:0001638. Inheritance: Various modes of inheritance.
Arrhythmogenic right ventricular dysplasia 5. Also called: ARRHYTHMOGENIC RIGHT VENTRICULAR DYSPLASIA, FAMILIAL, 5; Arrhythmogenic Right Ventricular Dysplasia/Cardiomyopathy 5. Identifiers: MedGen C1858379, MONDO:0011459, OMIM 604400.
Auditory neuropathy, autosomal dominant 3 (AUNA3). Identifiers: MedGen C5676964, MONDO:0859235, OMIM 619832.
Emery-Dreifuss muscular dystrophy 7, autosomal dominant (EDMD7). Also called: Emery-Dreifuss muscular dystrophy 7, AD. Identifiers: Orphanet 261, MedGen C3553060, MONDO:0013677, OMIM 614302.
Cardiovascular phenotype. Identifiers: MedGen CN230736.

Allele frequency attached by ClinVar (database versions not stated): 1000 Genomes Project 30x 0.00016.
gnomAD v4.1: 7 of 1,613,688 alleles (0.00043%); highest among the groups gnomAD compares: Non-Finnish European, 0.00059%; no homozygotes.

Submissions (5):

Labcorp Genetics (formerly Invitae), Labcorp
Classification: Uncertain significance for Arrhythmogenic right ventricular dysplasia 5. Last evaluated: 2024-07-03. Review status: criteria provided, single submitter. Criteria: Invitae Variant Classification Sherloc (09022015). Collection method: clinical testing. Allele origin: germline.
Comment: This sequence change replaces arginine, which is basic and polar, with glycine, which is neutral and non-polar, at codon 11 of the TMEM43 protein (p.Arg11Gly). This variant is present in population databases (rs201085402, gnomAD 0.004%). This variant has not been reported in the literature in individuals affected with TMEM43-related conditions. ClinVar contains an entry for this variant (Variation ID: 928295). An algorithm developed to predict the effect of missense changes on protein structure and function (PolyPhen-2) suggests that this variant is likely to be tolerated. In summary, the available evidence is currently insufficient to determine the role of this variant in disease. Therefore, it has been classified as a Variant of Uncertain Significance.

Color Diagnostics, LLC DBA Color Health
Classification: Uncertain significance for Cardiomyopathy. Last evaluated: 2024-03-06. Review status: criteria provided, single submitter. Criteria: ACMG Guidelines, 2015. Collection method: clinical testing. Allele origin: germline.
Comment: This missense variant replaces arginine with glycine at codon 11 of the TMEM43 protein. Computational prediction suggests that this variant may not impact protein structure and function (internally defined REVEL score threshold <= 0.5, PMID: 27666373). Splice site prediction tools suggest that this variant may not impact RNA splicing. To our knowledge, functional studies have not been reported for this variant. This variant has not been reported in individuals affected with cardiovascular disorders in the literature. This variant has been identified in 4/251404 chromosomes in the general population by the Genome Aggregation Database (gnomAD). The available evidence is insufficient to determine the role of this variant in disease conclusively. Therefore, this variant is classified as a Variant of Uncertain Significance.

GeneDx
Classification: Uncertain significance. Last evaluated: 2022-11-10. Review status: criteria provided, single submitter. Criteria: GeneDx Variant Classification Process June 2021. Collection method: clinical testing. Allele origin: germline. Affected: yes.
Comment: Has not been previously published as pathogenic or benign to our knowledge; Not observed at significant frequency in large population cohorts (gnomAD); In silico analysis supports that this missense variant does not alter protein structure/function

Ambry Genetics
Classification: Uncertain significance for Cardiovascular phenotype. Last evaluated: 2022-01-19. Review status: criteria provided, single submitter. Criteria: Ambry Variant Classification Scheme 2023. Collection method: clinical testing. Allele origin: germline.
Comment: The p.R11G variant (also known as c.31C>G), located in coding exon 2 of the TMEM43 gene, results from a C to G substitution at nucleotide position 31. The arginine at codon 11 is replaced by glycine, an amino acid with dissimilar properties. This amino acid position is conserved. In addition, this alteration is predicted to be tolerated by in silico analysis. Since supporting evidence is limited at this time, the clinical significance of this alteration remains unclear.

Fulgent Genetics
Classification: Uncertain significance for Arrhythmogenic right ventricular dysplasia 5; Emery-Dreifuss muscular dystrophy 7, autosomal dominant; Auditory neuropathy, autosomal dominant 3. Last evaluated: 2021-08-25. Review status: criteria provided, single submitter. Criteria: ACMG Guidelines, 2015. Collection method: clinical testing. Allele origin: unknown.

NM_024334.3(TMEM43):c.31C>G (p.Arg11Gly)

Gene: TMEM43 (transmembrane protein 43; plus strand). Cytogenetic location: 3p25.1.
Variant type: single nucleotide variant.
Coding change: c.31C>G on transcript NM_024334.3 (MANE Select); coding-DNA position 31, C replaced by G.
Protein change: p.Arg11Gly; replaces arginine 11 with glycine.
Molecular consequence: missense variant.
Genome position (GRCh38, 1-based): chr3:14,129,430, C>G. VCF-style: chr3-14129430-C-G. GRCh37 (hg19) VCF-style: chr3-14170930-C-G.
Other names: short protein forms R11G.
Identifiers: ClinVar variation 928295 (VCV000928295.11), dbSNP rs201085402, ClinGen allele CA052861.